The following is an entry in ClinVar:

NM_000551.4(VHL):c.350G>C (p.Trp117Ser)

Genes: VHL (von Hippel-Lindau tumor suppressor; plus strand), LOC107303340 (3p25 von Hippel-Lindau tumor suppressor, E3 ubiquitin protein ligase Alu-mediated recombination region; plus strand). Cytogenetic location: 3p25.3.
Variant type: single nucleotide variant.
Coding change: c.350G>C on transcript NM_000551.4 (MANE Select); coding-DNA position 350, G replaced by C.
Protein change: p.Trp117Ser; replaces tryptophan 117 with serine.
Molecular consequence: missense variant. On other transcripts: non-coding transcript variant (1), intron variant (2).
Genome position (GRCh38, 1-based): chr3:10,146,523, G>C. VCF-style: chr3-10146523-G-C. GRCh37 (hg19) VCF-style: chr3-10188207-G-C.
Other names: c.*18-3264G>C (NM_001354723.2); c.341-3264G>C (NM_198156.3); short protein forms W117S.
Identifiers: ClinVar variation 2925344 (VCV002925344.3), dbSNP rs1559428056, ClinGen allele CA351753671.
Genomic context (GRCh38, chr3:10,146,523, plus strand): 5'-CGTGCCCAGCCACCGGTGTGGCTCTTTAACAACCTTTGCTTGTCCCGATAGGTCACCTTT[G>C]GCTCTTCAGAGATGCAGGGACACACGATGGGCTTCTGGTTAACCAAACTGAATTATTTGT-3'
Protein context (NP_000542.1, residues 107-127): RRIHSYRGHL[Trp117Ser]LFRDAGTHDG

ClinVar aggregate classification (germline): Likely pathogenic (1 of 4 stars; one submission).

Conditions:
Von Hippel-Lindau syndrome (VHLS). Also called: Von Hippel-Lindau; von Hippel–Lindau syndrome; VHL syndrome. Identifiers: Orphanet 892, MedGen C0019562, MONDO:0008667, OMIM 193300. Disease mechanism: loss of function.
Chuvash polycythemia. Also called: POLYCYTHEMIA, VHL-DEPENDENT. Identifiers: Orphanet 238557, MedGen C1837915, MONDO:0009892, OMIM 263400.

Submission:

Labcorp Genetics (formerly Invitae), Labcorp
Classification: Likely pathogenic for Von Hippel-Lindau syndrome; Chuvash polycythemia. Last evaluated: 2023-01-28. Review status: criteria provided, single submitter. Criteria: Invitae Variant Classification Sherloc (09022015). Collection method: clinical testing. Allele origin: germline.
Comment: This sequence change replaces tryptophan, which is neutral and slightly polar, with serine, which is neutral and polar, at codon 117 of the VHL protein (p.Trp117Ser). This variant is not present in population databases (gnomAD no frequency). This missense change has been observed in individual(s) with clinical features of autosomal dominant von Hippel-Lindau syndrome (PMID: 21715564, 24581539, 30522901). Advanced modeling of protein sequence and biophysical properties (such as structural, functional, and spatial information, amino acid conservation, physicochemical variation, residue mobility, and thermodynamic stability) performed at Invitae indicates that this missense variant is expected to disrupt VHL protein function. This variant disrupts the p.Trp117 amino acid residue in VHL. Other variant(s) that disrupt this residue have been determined to be pathogenic (PMID: 18685280, 24581539, 28388566, 30477447). This suggests that this residue is clinically significant, and that variants that disrupt this residue are likely to be disease-causing. In summary, the currently available evidence indicates that the variant is pathogenic, but additional data are needed to prove that conclusively. Therefore, this variant has been classified as Likely Pathogenic.

Literature cited by the submitters: PubMed 21715564; PubMed 24581539; PubMed 30522901; PubMed 18685280; PubMed 28388566; PubMed 30477447.